The following is an entry in ClinVar:

ClinVar aggregate classification (germline): Uncertain significance (1 of 4 stars; one submission).

Submission:

Greenwood Genetic Center Diagnostic Laboratories, Greenwood Genetic Center
Classification: Uncertain significance. Last evaluated: 2023-03-13. Review status: criteria provided, single submitter. Criteria: ACMG Guidelines, 2015. Collection method: clinical testing. Allele origin: germline. Affected: yes.
Comment: Gene of Uncertain Significance

NM_003592.3(CUL1):c.811G>T (p.Glu271Ter)

Gene: CUL1 (cullin 1; plus strand). Cytogenetic location: 7q36.1.
Variant type: single nucleotide variant.
Coding change: c.811G>T on transcript NM_003592.3 (MANE Select); coding-DNA position 811, G replaced by T.
Protein change: p.Glu271Ter; replaces glutamic acid 271 with a stop codon.
Molecular consequence: nonsense.
Genome position (GRCh38, 1-based): chr7:148,766,582, G>T. VCF-style: chr7-148766582-G-T. GRCh37 (hg19) VCF-style: chr7-148463674-G-T.
Other names: c.811G>T, p.Glu271Ter (NM_001370660.1, NM_001370661.1, NM_001370662.1 and 2 more transcripts); short protein forms E271*.
Identifiers: ClinVar variation 2505208 (VCV002505208.1), dbSNP rs2536076520, ClinGen allele CA369707404.